The following is an entry in ClinVar:

ClinVar aggregate classification (germline): Uncertain significance (1 of 4 stars; one submission).

Conditions:
Cornelia de Lange syndrome 1 (CDLS1). Also called: NIPBL-Related Cornelia de Lange Syndrome; Brachmann de Lange syndrome; TYPUS DEGENERATIVUS AMSTELODAMENSIS. Identifiers: Orphanet 199, MedGen C4551851, MONDO:0007387, OMIM 122470.

Submission:

Labcorp Genetics (formerly Invitae), Labcorp
Classification: Uncertain significance for Cornelia de Lange syndrome 1. Last evaluated: 2022-08-22. Review status: criteria provided, single submitter. Criteria: Invitae Variant Classification Sherloc (09022015). Collection method: clinical testing. Allele origin: germline.
Comment: In summary, the available evidence is currently insufficient to determine the role of this variant in disease. Therefore, it has been classified as a Variant of Uncertain Significance. Experimental studies and prediction algorithms are not available or were not evaluated, and the functional significance of this variant is currently unknown. This variant has not been reported in the literature in individuals affected with NIPBL-related conditions. This variant is not present in population databases (gnomAD no frequency). This variant, c.1892_1894del, results in the deletion of 1 amino acid(s) of the NIPBL protein (p.Val631del), but otherwise preserves the integrity of the reading frame.

NM_133433.4(NIPBL):c.1889TGG[1] (p.Val631del)

Gene: NIPBL (NIPBL cohesin loading factor; plus strand). Cytogenetic location: 5p13.2.
Variant type: Microsatellite.
Coding change: c.1889TGG[1] on transcript NM_133433.4 (MANE Select); one copy of the 3-base unit TGG starting at c.1889; the reference has two copies in a row; one copy, 3 bases deleted.
Protein change: p.Val631del; deletes valine 631.
Molecular consequence: inframe deletion.
Genome position (GRCh38, 1-based): chr5:36,985,072-36,985,074, TGG deleted; deleting any 3 consecutive bases within chr5:36,985,069-36,985,074 gives the same sequence; the position shown is the placement nearest the transcript's 3' end. VCF-style (leftmost placement, unchanged base first): chr5-36985068-TTGG-T. GRCh37 (hg19) VCF-style: chr5-36985170-TTGG-T.
Other names: c.1889TGG[1], p.Val631del (NM_015384.5); short protein forms V631del.
Identifiers: ClinVar variation 2047506 (VCV002047506.4), dbSNP rs1744593152, ClinGen allele CA1075103547.